The following is an entry in ClinVar:

NM_020745.4(AARS2):c.1645G>A (p.Val549Met)

Gene: AARS2 (alanyl-tRNA synthetase 2, mitochondrial; minus strand). Cytogenetic location: 6p21.1.
Variant type: single nucleotide variant.
Coding change: c.1645G>A on transcript NM_020745.4 (MANE Select); coding-DNA position 1645, G replaced by A.
Protein change: p.Val549Met; replaces valine 549 with methionine.
Molecular consequence: missense variant.
Genome position (GRCh38, 1-based): chr6:44,304,752, C>T on the plus strand (G>A on the coding strand, the complement: AARS2 is on the minus strand). VCF-style: chr6-44304752-C-T. GRCh37 (hg19) VCF-style: chr6-44272489-C-T.
Other names: c.1645G>A (NM_020745.3); short protein forms V549M.
Identifiers: ClinVar variation 1800790 (VCV001800790.11), dbSNP rs140408107, ClinGen allele CA3834258.

ClinVar aggregate classification (germline): Uncertain significance. Review status: criteria provided, multiple submitters, no conflicts (2 of 4 stars). 4 submissions from 4 submitters: Uncertain significance (4). Last evaluated 2026-10-14.

Conditions:
Cardiovascular phenotype. Identifiers: MedGen CN230736.
Inborn genetic diseases. Identifiers: MedGen C0950123, MeSH D030342.

Allele frequency attached by ClinVar (database versions not stated): TOPMed 0.00030; gnomAD 0.00025; ExAC 0.00011; gnomAD exomes 0.00003; ESP Exome Variant Server 0.00031.
gnomAD v4.1: 82 of 1,614,242 alleles (0.0051%); highest among the groups gnomAD compares: African/African-American, 0.093%; no homozygotes.

Submissions (4):

GeneDx
Classification: Uncertain significance. Last evaluated: 2026-10-14. Review status: criteria provided, single submitter. Criteria: GeneDx Variant Classification Process June 2021. Collection method: clinical testing. Allele origin: germline.
Comment: Reported in the heterozygous state in an individual with primary ovarian insufficiency (PMID: 36099812); In silico analysis suggests that this missense variant does not alter protein structure/function; This variant is associated with the following publications: (PMID: 36099812)

Molecular Diagnostic Laboratory for Inherited Cardiovascular Disease, Montreal Heart Institute
Classification: Uncertain significance for Cardiovascular phenotype. Last evaluated: 2025-07-24. Review status: criteria provided, single submitter. Criteria: ACMG Guidelines, 2015. Collection method: clinical testing. Allele origin: germline. Affected: yes.

Labcorp Genetics (formerly Invitae), Labcorp
Classification: Uncertain significance. Last evaluated: 2023-07-14. Review status: criteria provided, single submitter. Criteria: Invitae Variant Classification Sherloc (09022015). Collection method: clinical testing. Allele origin: germline.
Comment: This sequence change replaces valine, which is neutral and non-polar, with methionine, which is neutral and non-polar, at codon 549 of the AARS2 protein (p.Val549Met). This variant is present in population databases (rs140408107, gnomAD 0.1%). This variant has not been reported in the literature in individuals affected with AARS2-related conditions. ClinVar contains an entry for this variant (Variation ID: 1800790). Advanced modeling of protein sequence and biophysical properties (such as structural, functional, and spatial information, amino acid conservation, physicochemical variation, residue mobility, and thermodynamic stability) performed at Invitae indicates that this missense variant is not expected to disrupt AARS2 protein function. In summary, the available evidence is currently insufficient to determine the role of this variant in disease. Therefore, it has been classified as a Variant of Uncertain Significance.

Ambry Genetics
Classification: Uncertain significance for Inborn genetic diseases. Last evaluated: 2023-03-17. Review status: criteria provided, single submitter. Criteria: Ambry Variant Classification Scheme 2023. Collection method: clinical testing. Allele origin: germline.